The following is an entry in ClinVar:

ClinVar aggregate classification (germline): Uncertain significance (1 of 4 stars; one submission).

Conditions:
Spastic paraplegia. Identifiers: MedGen C0037772, HP:0001258.

Submission:

Labcorp Genetics (formerly Invitae), Labcorp
Classification: Uncertain significance for Spastic paraplegia. Last evaluated: 2022-04-02. Review status: criteria provided, single submitter. Criteria: Invitae Variant Classification Sherloc (09022015). Collection method: clinical testing. Allele origin: germline.
Comment: This sequence change replaces serine, which is neutral and polar, with leucine, which is neutral and non-polar, at codon 403 of the KIF5A protein (p.Ser403Leu). This variant is not present in population databases (gnomAD no frequency). This variant has not been reported in the literature in individuals affected with KIF5A-related conditions. Advanced modeling of protein sequence and biophysical properties (such as structural, functional, and spatial information, amino acid conservation, physicochemical variation, residue mobility, and thermodynamic stability) performed at Invitae indicates that this missense variant is not expected to disrupt KIF5A protein function. In summary, the available evidence is currently insufficient to determine the role of this variant in disease. Therefore, it has been classified as a Variant of Uncertain Significance.

NM_004984.4(KIF5A):c.1208C>T (p.Ser403Leu)

Gene: KIF5A (kinesin family member 5A; plus strand). Cytogenetic location: 12q13.3.
Variant type: single nucleotide variant.
Coding change: c.1208C>T on transcript NM_004984.4 (MANE Select); coding-DNA position 1208, C replaced by T.
Protein change: p.Ser403Leu; replaces serine 403 with leucine.
Molecular consequence: missense variant.
Genome position (GRCh38, 1-based): chr12:57,570,077, C>T. VCF-style: chr12-57570077-C-T. GRCh37 (hg19) VCF-style: chr12-57963860-C-T.
Other names: c.941C>T, p.Ser314Leu (NM_001354705.2); short protein forms S314L, S403L.
Identifiers: ClinVar variation 2120886 (VCV002120886.4), dbSNP rs2540501621, ClinGen allele CA385504120.